The following is an entry in ClinVar:

ClinVar aggregate classification (germline): Benign/Likely benign. Review status: criteria provided, multiple submitters, no conflicts (2 of 4 stars). 3 submissions from 3 submitters: Benign (1); Likely benign (2). Last evaluated 2024-10-18.

Conditions:
Hereditary cancer-predisposing syndrome. Also called: Neoplastic Syndromes, Hereditary; Hereditary Cancer Syndrome; Hereditary neoplastic syndrome; Tumor predisposition. Identifiers: Orphanet 140162, MedGen C0027672, MeSH D009386, MONDO:0015356.
Hereditary leiomyomatosis and renal cell cancer. Also called: Reed syndrome; Multiple cutaneous and uterine leiomyomatosis; Cutaneous leiomyomata with uterine leiomyomata; Leiomyoma, hereditary multiple, of skin; Multiple cutaneous and uterine leiomyomata; Multiple cutaneous leiomyomas. Identifiers: Orphanet 523, MedGen C1708350, MONDO:0007888, OMIM 150800, HP:0007437. Disease mechanism: loss of function.

Allele frequency attached by ClinVar (database versions not stated): gnomAD exomes below 0.00001; TOPMed 0.00001.
gnomAD v4.1: 3 of 1,613,640 alleles (0.00019%); highest among the groups gnomAD compares: Non-Finnish European, 0.00017%; no homozygotes.

Submissions (3):

Myriad Genetics, Inc.
Classification: Benign for Hereditary leiomyomatosis and renal cell cancer. Last evaluated: 2024-10-18. Review status: criteria provided, single submitter. Criteria: Myriad Autosomal Dominant, Autosomal Recessive and X-Linked Classification Criteria (2023). Collection method: clinical testing. Allele origin: unknown.
Comment: This variant is considered benign. This variant is a silent/synonymous amino acid change and it is not expected to impact splicing.

Labcorp Genetics (formerly Invitae), Labcorp
Classification: Likely benign. Last evaluated: 2024-08-27. Review status: criteria provided, single submitter. Criteria: Invitae Variant Classification Sherloc (09022015). Collection method: clinical testing. Allele origin: germline.

Ambry Genetics
Classification: Likely benign for Hereditary cancer-predisposing syndrome. Last evaluated: 2021-02-16. Review status: criteria provided, single submitter. Criteria: Ambry Variant Classification Scheme 2023. Collection method: clinical testing. Allele origin: germline.

NM_000143.4(FH):c.619C>T (p.Leu207=)

Gene: FH (fumarate hydratase; minus strand). Cytogenetic location: 1q43.
Variant type: single nucleotide variant.
Coding change: c.619C>T on transcript NM_000143.4 (MANE Select); coding-DNA position 619, C replaced by T.
Protein change: p.Leu207=; no amino-acid change (leucine 207 retained).
Molecular consequence: synonymous variant.
Genome position (GRCh38, 1-based): chr1:241,508,722, G>A on the plus strand (C>T on the coding strand, the complement: FH is on the minus strand). VCF-style: chr1-241508722-G-A. GRCh37 (hg19) VCF-style: chr1-241672022-G-A.
Identifiers: ClinVar variation 1111829 (VCV001111829.12), dbSNP rs1659995971, ClinGen allele CA424076125.